The following is an entry in ClinVar:

NM_004341.5(CAD):c.2459G>C (p.Gly820Ala)

Genes: CAD (carbamoyl-phosphate synthetase 2, aspartate transcarbamylase, and dihydroorotase; plus strand), LOC126806171 (BRD4-independent group 4 enhancer GRCh37_chr2:27454350-27455549; plus strand). Cytogenetic location: 2p23.3.
Variant type: single nucleotide variant.
Coding change: c.2459G>C on transcript NM_004341.5 (MANE Select); coding-DNA position 2459, G replaced by C.
Protein change: p.Gly820Ala; replaces glycine 820 with alanine.
Molecular consequence: missense variant.
Genome position (GRCh38, 1-based): chr2:27,232,038, G>C. VCF-style: chr2-27232038-G-C. GRCh37 (hg19) VCF-style: chr2-27454906-G-C.
Other names: c.2270G>C, p.Gly757Ala (NM_001306079.2); short protein forms G757A, G820A.
Identifiers: ClinVar variation 4885299 (VCV004885299.2).

ClinVar aggregate classification (germline): Uncertain significance (1 of 4 stars; one submission).

gnomAD v4.1: 1 of 1,614,244 alleles (0.000062%); highest among the groups gnomAD compares: Non-Finnish European, 0.000085%; no homozygotes.

Submission:

Dasa
Classification: Uncertain significance. Last evaluated: 2025-10-30. Review status: criteria provided, single submitter. Criteria: DASA Assertion Criteria. Collection method: clinical testing. Allele origin: germline.
Comment: NM_004341.5(CAD):c.2459G>C (p.Gly820Ala) is a missense variant that results in the substitution of glycine with alanine. This variant is rare in population databases. Computational prediction algorithms are consistent with a deleterious effect. The currently available literature and clinical evidence are not sufficient to establish a definitive association between this variant and the reported condition. Therefore, this variant is classified as a variant of uncertain significance.